The following is an entry in ClinVar:

NM_000440.3(PDE6A):c.2346dup (p.Phe783fs)

Gene: PDE6A (phosphodiesterase 6A; minus strand). Cytogenetic location: 5q32.
Variant type: Duplication.
Coding change: c.2346dup on transcript NM_000440.3 (MANE Select); coding-DNA position 2346, one base duplicated (C; older notation c.2346dupC).
Protein change: p.Phe783fs; shifts the reading frame from phenylalanine 783.
Molecular consequence: frameshift variant.
Genome position (GRCh38, 1-based): chr5:149,866,182, G duplicated on the plus strand (C on the coding strand, the reverse complement: PDE6A is on the minus strand); the first of 2 consecutive G bases (chr5:149,866,182-149,866,183); duplicating either gives the same sequence. VCF-style (leftmost placement, unchanged base first): chr5-149866181-A-AG. GRCh37 (hg19) VCF-style: chr5-149245744-A-AG.
Other names: short protein forms F783fs.
Identifiers: ClinVar variation 1460102 (VCV001460102.6), dbSNP rs2113503234, ClinGen allele CA2573139264.
Genomic context (GRCh38, chr5:149,866,181, plus strand): 5'-CAGGTTTATCAAAGACATCTTGTTGCGGCTGAGGAAGCCAAGGGCCTACCTTGTAGACGA[A>AG]GGTGCAAACAAAGTCAATGAAGCCGACTTGAAGCTTAGGGAGTTCATCTGCTTTGTTTCT-3'

ClinVar aggregate classification (germline): Pathogenic (1 of 4 stars; one submission).

Submission:

Labcorp Genetics (formerly Invitae), Labcorp
Classification: Pathogenic. Last evaluated: 2021-03-03. Review status: criteria provided, single submitter. Criteria: Invitae Variant Classification Sherloc (09022015). Collection method: clinical testing. Allele origin: germline.
Comment: This sequence change creates a premature translational stop signal (p.Phe783Leufs*32) in the PDE6A gene. It is expected to result in an absent or disrupted protein product. Loss-of-function variants in PDE6A are known to be pathogenic (PMID: 7493036, 22128245, 23847139). This variant is not present in population databases (ExAC no frequency). This variant has not been reported in the literature in individuals with PDE6A-related conditions. For these reasons, this variant has been classified as Pathogenic.

Literature cited by the submitters: PubMed 7493036; PubMed 22128245; PubMed 23847139.